The following is an entry in ClinVar:

NM_007194.4(CHEK2):c.846T>A (p.His282Gln)

Gene: CHEK2 (checkpoint kinase 2; minus strand). Cytogenetic location: 22q12.1.
Variant type: single nucleotide variant.
Coding change: c.846T>A on transcript NM_007194.4 (MANE Select); coding-DNA position 846, T replaced by A.
Protein change: p.His282Gln; replaces histidine 282 with glutamine.
Molecular consequence: missense variant.
Genome position (GRCh38, 1-based): chr22:28,710,006, A>T on the plus strand (T>A on the coding strand, the complement: CHEK2 is on the minus strand). VCF-style: chr22-28710006-A-T. GRCh37 (hg19) VCF-style: chr22-29105994-A-T.
Other names: c.975T>A, p.His325Gln (NM_001005735.3); c.183T>A, p.His61Gln (NM_001257387.3); c.645T>A, p.His215Gln (NM_001349956.3); c.846T>A, p.His282Gln (NM_145862.3); short protein forms H282Q, H325Q, H215Q, H61Q.
Identifiers: ClinVar variation 1763502 (VCV001763502.6), dbSNP rs987815892, ClinGen allele CA411102261.

ClinVar aggregate classification (germline): Uncertain significance. Review status: criteria provided, multiple submitters, no conflicts (2 of 4 stars). 2 submissions from 2 submitters: Uncertain significance (2). Last evaluated 2025-04-01.

Conditions:
Hereditary cancer-predisposing syndrome. Also called: Neoplastic Syndromes, Hereditary; Tumor predisposition; Hereditary Cancer Syndrome; Hereditary neoplastic syndrome. Identifiers: Orphanet 140162, MedGen C0027672, MeSH D009386, MONDO:0015356.
Familial cancer of breast. Also called: hereditary breast carcinoma; BREAST CANCER, FAMILIAL; Hereditary breast cancer. Identifiers: Orphanet 227535, MedGen C0346153, MONDO:0016419, OMIM 114480. Disease mechanism: loss of function.

Submissions (2):

Ambry Genetics
Classification: Uncertain significance for Hereditary cancer-predisposing syndrome. Last evaluated: 2025-04-01. Review status: criteria provided, single submitter. Criteria: Ambry Variant Classification Scheme 2023. Collection method: clinical testing. Allele origin: germline.
Comment: The p.H282Q variant (also known as c.846T>A), located in coding exon 6 of the CHEK2 gene, results from a T to A substitution at nucleotide position 846. The histidine at codon 282 is replaced by glutamine, an amino acid with highly similar properties. This amino acid position is highly conserved in available vertebrate species. In addition, this alteration is predicted to be deleterious by in silico analysis. Based on the available evidence, the clinical significance of this variant remains unclear.

Labcorp Genetics (formerly Invitae), Labcorp
Classification: Uncertain significance for Familial cancer of breast. Last evaluated: 2023-01-15. Review status: criteria provided, single submitter. Criteria: Invitae Variant Classification Sherloc (09022015). Collection method: clinical testing. Allele origin: germline.
Comment: In summary, the available evidence is currently insufficient to determine the role of this variant in disease. Therefore, it has been classified as a Variant of Uncertain Significance. Algorithms developed to predict the effect of missense changes on protein structure and function are either unavailable or do not agree on the potential impact of this missense change (SIFT: "Deleterious"; PolyPhen-2: "Possibly Damaging"; Align-GVGD: "Class C0"). ClinVar contains an entry for this variant (Variation ID: 1763502). This variant has not been reported in the literature in individuals affected with CHEK2-related conditions. This variant is not present in population databases (gnomAD no frequency). This sequence change replaces histidine, which is basic and polar, with glutamine, which is neutral and polar, at codon 282 of the CHEK2 protein (p.His282Gln).